The following is an entry in ClinVar:

ClinVar aggregate classification (germline): Conflicting classifications of pathogenicity. Review status: criteria provided, conflicting classifications (1 of 4 stars). 4 submissions from 4 submitters: Uncertain significance (3); Likely benign (1). Last evaluated 2025-06-17.

Conditions:
Hereditary cancer-predisposing syndrome. Also called: Hereditary Cancer Syndrome; Neoplastic Syndromes, Hereditary; Tumor predisposition; Hereditary neoplastic syndrome. Identifiers: Orphanet 140162, MedGen C0027672, MeSH D009386, MONDO:0015356.
Intellectual disability, autosomal dominant 16 (CSS4). Also called: COFFIN-SIRIS SYNDROME 4. Identifiers: Orphanet 1465, MedGen C3553249, MONDO:0013821, OMIM 614609.
Rhabdoid tumor predisposition syndrome 2 (RTPS2). Identifiers: Orphanet 231108, Orphanet 69077, MedGen C2750074, MONDO:0013224, OMIM 613325.

Allele frequency attached by ClinVar (database versions not stated): TOPMed 0.00001.

Submissions (4):

St. Jude Molecular Pathology, St. Jude Children's Research Hospital
Classification: Uncertain significance for Rhabdoid tumor predisposition syndrome 2. Last evaluated: 2025-06-17. Review status: criteria provided, single submitter. Criteria: St. Jude Assertion Criteria 2020. Collection method: clinical testing. Allele origin: germline.
Comment: The SMARCA4 c.451G>A p.(Gly151Ser) missense change is absent in gnomAD v2.1.1. The in silico tool REVEL predicts a benign effect on protein function, but to our knowledge this prediction has not been confirmed by functional studies. To our knowledge, this variant has not been reported in individuals with rhabdoid tumor predisposition syndrome. In summary, the evidence currently available is insufficient to determine the clinical significance of this variant. It has therefore been classified as of uncertain significance.

Labcorp Genetics (formerly Invitae), Labcorp
Classification: Uncertain significance for Rhabdoid tumor predisposition syndrome 2. Last evaluated: 2025-04-22. Review status: criteria provided, single submitter. Criteria: Invitae Variant Classification Sherloc (09022015). Collection method: clinical testing. Allele origin: germline.
Comment: This sequence change replaces glycine, which is neutral and non-polar, with serine, which is neutral and polar, at codon 151 of the SMARCA4 protein (p.Gly151Ser). This variant is not present in population databases (gnomAD no frequency). This variant has not been reported in the literature in individuals affected with SMARCA4-related conditions. ClinVar contains an entry for this variant (Variation ID: 480609). Invitae Evidence Modeling of protein sequence and biophysical properties (such as structural, functional, and spatial information, amino acid conservation, physicochemical variation, residue mobility, and thermodynamic stability) indicates that this missense variant is not expected to disrupt SMARCA4 protein function with a negative predictive value of 95%. In summary, the available evidence is currently insufficient to determine the role of this variant in disease. Therefore, it has been classified as a Variant of Uncertain Significance.

Ambry Genetics
Classification: Likely benign for Hereditary cancer-predisposing syndrome. Last evaluated: 2023-07-10. Review status: criteria provided, single submitter. Criteria: Ambry Variant Classification Scheme 2023. Collection method: clinical testing. Allele origin: germline.

Genome-Nilou Lab
Classification: Uncertain significance for Intellectual disability, autosomal dominant 16. Last evaluated: 2021-07-15. Review status: criteria provided, single submitter. Criteria: ACMG Guidelines, 2015. Collection method: clinical testing. Allele origin: germline. Affected: no.

NM_003072.5(SMARCA4):c.451G>A (p.Gly151Ser)

Gene: SMARCA4 (SWI/SNF related BAF chromatin remodeling complex subunit ATPase 4; plus strand). Cytogenetic location: 19p13.2.
Variant type: single nucleotide variant.
Coding change: c.451G>A on transcript NM_003072.5 (MANE Select); coding-DNA position 451, G replaced by A.
Protein change: p.Gly151Ser; replaces glycine 151 with serine.
Molecular consequence: missense variant. On other transcripts: non-coding transcript variant (1).
Genome position (GRCh38, 1-based): chr19:10,986,284, G>A. VCF-style: chr19-10986284-G-A. GRCh37 (hg19) VCF-style: chr19-11096960-G-A.
Other names: c.451G>A, p.Gly151Ser (NM_001128844.3, NM_001128845.2, NM_001128846.2 and 5 more transcripts); c.451G>A (NM_001128849.2); short protein forms G151S.
Identifiers: ClinVar variation 480609 (VCV000480609.19), dbSNP rs962808170, ClinGen allele CA305286659.